The following is an entry in ClinVar:

ClinVar aggregate classification (germline): Benign/Likely benign. Review status: criteria provided, multiple submitters, no conflicts (2 of 4 stars). 7 submissions from 7 submitters: Benign (3); Likely benign (2). 2 of the submissions do not count toward it. Last evaluated 2025-12-17.

Conditions:
Primary ciliary dyskinesia. Also called: Ciliary dyskinesia. Identifiers: Orphanet 244, MedGen C0008780, MONDO:0016575, HP:0012265.
Primary ciliary dyskinesia 6. Also called: Primary Ciliary Dyskinesia 6: TXNDC3-Related Primary Ciliary Dyskinesia. Identifiers: Orphanet 244, MedGen C1970506, MONDO:0012571, OMIM 610852.

Allele frequency attached by ClinVar (database versions not stated): 1000 Genomes Project 30x 0.00703; TOPMed 0.01477; ExAC 0.01906; gnomAD 0.01739 and 0.01701; ESP Exome Variant Server 0.01692; gnomAD exomes 0.01787; 1000 Genomes Project 0.00699.
gnomAD v4.1: 29,416 of 1,407,586 alleles (2.1%); highest among the groups gnomAD compares: Non-Finnish European, 2.4%; 392 homozygotes.

Submissions (7):

Labcorp Genetics (formerly Invitae), Labcorp
Classification: Benign for Primary ciliary dyskinesia 6. Last evaluated: 2025-12-17. Review status: criteria provided, single submitter. Criteria: Invitae Variant Classification Sherloc (09022015). Collection method: clinical testing. Allele origin: germline.

Dasa
Classification: Benign. Last evaluated: 2025-10-09. Review status: criteria provided, single submitter. Criteria: DASA Assertion Criteria. Collection method: clinical testing. Allele origin: germline.
Comment: NM_016616.5(NME8):c.271-27C>T is interpreted as benign based on a combination of available evidence, which may include population frequency, observations in unaffected individuals, intact protein function, lack of segregation with disease, in silico models, amino acid conservation, lack of disease association in case-control studies, and/or inconsistency with the known disease mechanism or impacted region. Based on the available data, this variant is classified as benign.

Ambry Genetics
Classification: Benign for Primary ciliary dyskinesia. Last evaluated: 2019-09-23. Review status: criteria provided, single submitter. Criteria: Ambry Variant Classification Scheme 2023. Collection method: clinical testing. Allele origin: germline.

Breakthrough Genomics
Classification: Likely benign. Review status: criteria provided, single submitter. Criteria: ACMG Guidelines, 2015. Collection method: not provided. Allele origin: germline. Inheritance: Autosomal recessive inheritance. Affected: yes.

PreventionGenetics, part of Exact Sciences
Classification: Likely benign. Review status: criteria provided, single submitter. Criteria: ACMG Guidelines, 2015. Collection method: clinical testing. Allele origin: germline.

OMIM
Classification: Pathogenic for CILIARY DYSKINESIA, PRIMARY, 6 (1 patient). Last evaluated: 2007-02-27. Review status: no assertion criteria provided. Collection method: literature only. Allele origin: germline. Not counted in ClinVar's aggregate classification.

GeneReviews
No classification provided. Condition: Primary ciliary dyskinesia 6. Review status: no classification provided. Collection method: literature only. Allele origin: unknown. Not counted in ClinVar's aggregate classification.

Literature cited by the submitters: PubMed 17360648 (cited by 3 submitters); PubMed 20301301 (cited by GeneReviews); NCBI Bookshelf NBK1122 (cited by GeneReviews).

NM_016616.4(NME8):c.271-27C>T

Gene: NME8 (NME/NM23 family member 8; plus strand). Cytogenetic location: 7p14.1.
Variant type: single nucleotide variant.
Coding change: c.271-27C>T on transcript NM_016616.4; 27 bases into the intron before coding-DNA position 271, C replaced by T.
Molecular consequence: intron variant (on NM_016616.5).
Genome position (GRCh38, 1-based): chr7:37,862,001, C>T. VCF-style: chr7-37862001-C-T. GRCh37 (hg19) VCF-style: chr7-37901603-C-T.
Other names: IVS6AS, C-T, -27; c.271-27C>T (NM_016616.5).
Identifiers: ClinVar variation 3257 (VCV000003257.16), dbSNP rs117149381, ClinGen allele CA340055.